The following is an entry in ClinVar:

NM_018986.5(SH3TC1):c.711C>A (p.Leu237=)

Gene: SH3TC1 (SH3 domain and tetratricopeptide repeats 1; plus strand). Cytogenetic location: 4p16.1.
Variant type: single nucleotide variant.
Coding change: c.711C>A on transcript NM_018986.5 (MANE Select); coding-DNA position 711, C replaced by A.
Protein change: p.Leu237=; no amino-acid change (leucine 237 retained).
Molecular consequence: synonymous variant.
Genome position (GRCh38, 1-based): chr4:8,217,039, C>A. VCF-style: chr4-8217039-C-A. GRCh37 (hg19) VCF-style: chr4-8218766-C-A.
Other names: c.483C>A, p.Leu161= (NM_001318480.2); c.711C>A, p.Leu237= (NM_001410712.1).
Identifiers: ClinVar variation 2654646 (VCV002654646.24), dbSNP rs200034374, ClinGen allele CA2848955.

ClinVar aggregate classification (germline): Likely benign (1 of 4 stars; one submission).

Allele frequency attached by ClinVar (database versions not stated): gnomAD 0.00007; TOPMed 0.00010; ExAC 0.00013; gnomAD exomes 0.00020; ESP Exome Variant Server 0.00023.

Submission:

CeGaT Center for Human Genetics Tuebingen
Classification: Likely benign. Last evaluated: 2023-01-01. Review status: criteria provided, single submitter. Criteria: CeGaT Center For Human Genetics Tuebingen Variant Classification Criteria Version 2. Collection method: clinical testing. Allele origin: germline. Affected: yes. Observed: 1 variant allele.
Comment: SH3TC1: BP4, BP7